The following is an entry in ClinVar:

ClinVar aggregate classification (germline): Pathogenic (1 of 4 stars; one submission).

Conditions:
Neurofibromatosis, type 1 (NF1). Also called: Neurofibromatosis, type I; VON RECKLINGHAUSEN DISEASE; NEUROFIBROMATOSIS, TYPE I, SOMATIC; Peripheral type neurofibromatosis. Identifiers: Orphanet 636, MedGen C0027831, MONDO:0018975, OMIM 162200. Disease mechanism: loss of function.

Submission:

Labcorp Genetics (formerly Invitae), Labcorp
Classification: Pathogenic for Neurofibromatosis, type 1. Last evaluated: 2023-11-04. Review status: criteria provided, single submitter. Criteria: Invitae Variant Classification Sherloc (09022015). Collection method: clinical testing. Allele origin: germline.
Comment: This sequence change creates a premature translational stop signal (p.Leu1885Serfs*19) in the NF1 gene. It is expected to result in an absent or disrupted protein product. Loss-of-function variants in NF1 are known to be pathogenic (PMID: 10712197, 23913538). This variant is not present in population databases (gnomAD no frequency). This variant has not been reported in the literature in individuals affected with NF1-related conditions. ClinVar contains an entry for this variant (Variation ID: 1458613). For these reasons, this variant has been classified as Pathogenic.

Literature cited by the submitters: PubMed 10712197; PubMed 23913538.

NM_001042492.3(NF1):c.5716del (p.Leu1906fs)

Gene: NF1 (neurofibromin 1; plus strand). Cytogenetic location: 17q11.2.
Variant type: Deletion.
Coding change: c.5716del on transcript NM_001042492.3 (MANE Select); coding-DNA position 5716, one base deleted (C; older notation c.5716delC).
Protein change: p.Leu1906fs; shifts the reading frame from leucine 1906.
Molecular consequence: frameshift variant.
Genome position (GRCh38, 1-based): chr17:31,330,402, C deleted; the last of 3 consecutive C bases (chr17:31,330,400-31,330,402); deleting any one gives the same sequence. VCF-style (leftmost placement, unchanged base first): chr17-31330399-AC-A. GRCh37 (hg19) VCF-style: chr17-29657417-AC-A.
Other names: c.5653delC, p.Leu1885Serfs (NM_000267.4); short protein forms L1906fs, L1885fs.
Identifiers: ClinVar variation 1458613 (VCV001458613.6), dbSNP rs2151544706, ClinGen allele CA2573153419.